The following is an entry in ClinVar:

ClinVar aggregate classification (germline): Uncertain significance. Review status: criteria provided, multiple submitters, no conflicts (2 of 4 stars). 2 submissions from 2 submitters: Uncertain significance (2). Last evaluated 2025-12-10.

Allele frequency attached by ClinVar (database versions not stated): gnomAD exomes 0.00001; ExAC 0.00003; gnomAD 0.00012 and 0.00015; TOPMed 0.00022; 1000 Genomes Project 30x 0.00047; 1000 Genomes Project 0.00060.
gnomAD v4.1: 30 of 1,605,908 alleles (0.0019%); highest among the groups gnomAD compares: Admixed American, 0.044%; no homozygotes.

Submissions (2):

Labcorp Genetics (formerly Invitae), Labcorp
Classification: Uncertain significance. Last evaluated: 2025-12-10. Review status: criteria provided, single submitter. Criteria: Invitae Variant Classification Sherloc (09022015). Collection method: clinical testing. Allele origin: germline.
Comment: This sequence change replaces leucine, which is neutral and non-polar, with glutamine, which is neutral and polar, at codon 8 of the WNT3 protein (p.Leu8Gln). This variant is present in population databases (rs201405122, gnomAD 0.003%). This variant has not been reported in the literature in individuals affected with WNT3-related conditions. ClinVar contains an entry for this variant (Variation ID: 1373639). An algorithm developed to predict the effect of missense changes on protein structure and function (PolyPhen-2) suggests that this variant is likely to be disruptive. In summary, the available evidence is currently insufficient to determine the role of this variant in disease. Therefore, it has been classified as a Variant of Uncertain Significance.

Ambry Genetics
Classification: Uncertain significance. Last evaluated: 2025-08-05. Review status: criteria provided, single submitter. Criteria: Ambry Variant Classification Scheme 2023. Collection method: clinical testing. Allele origin: germline.

NM_030753.5(WNT3):c.23T>A (p.Leu8Gln)

Genes: WNT3 (Wnt family member 3; minus strand), LRRC37A2 (leucine rich repeat containing 37 member A2). Cytogenetic location: 17q21.32.
Variant type: single nucleotide variant.
Coding change: c.23T>A on transcript NM_030753.5 (MANE Select); coding-DNA position 23, T replaced by A.
Protein change: p.Leu8Gln; replaces leucine 8 with glutamine.
Molecular consequence: missense variant.
Genome position (GRCh38, 1-based): chr17:46,818,575, A>T on the plus strand (T>A on the coding strand, the complement: WNT3 is on the minus strand). VCF-style: chr17-46818575-A-T. GRCh37 (hg19) VCF-style: chr17-44895941-A-T.
Other names: c.23T>A (NM_030753.3); short protein forms L8Q.
Identifiers: ClinVar variation 1373639 (VCV001373639.7), dbSNP rs201405122, ClinGen allele CA8620696.